The following is an entry in ClinVar:

NM_000540.3(RYR1):c.5529G>C (p.Lys1843Asn)

Gene: RYR1 (ryanodine receptor 1; plus strand). Cytogenetic location: 19q13.2.
Variant type: single nucleotide variant.
Coding change: c.5529G>C on transcript NM_000540.3 (MANE Select); coding-DNA position 5529, G replaced by C.
Protein change: p.Lys1843Asn; replaces lysine 1843 with asparagine.
Molecular consequence: missense variant.
Genome position (GRCh38, 1-based): chr19:38,486,184, G>C. VCF-style: chr19-38486184-G-C. GRCh37 (hg19) VCF-style: chr19-38976824-G-C.
Other names: c.5529G>C, p.Lys1843Asn (NM_001042723.2); short protein forms K1843N.
Identifiers: ClinVar variation 3075491 (VCV003075491.1), dbSNP rs2514231215, ClinGen allele CA405656005.

ClinVar aggregate classification (germline): Uncertain significance (1 of 4 stars; one submission).

Conditions:
Malignant hyperthermia, susceptibility to, 1 (MHS1). Also called: Anesthesia related hyperthermia; Malignant hyperpyrexia; Fulminating hyperpyrexia; Pharmacogenic myopathy; RYR1-Related Malignant Hyperthermia Susceptibility; Malignant hyperthermia suceptibility 1. Identifiers: Orphanet 423, MedGen C2930980, MONDO:0007783, OMIM 145600.

Submission:

All of Us Research Program, National Institutes of Health
Classification: Uncertain significance for Malignant hyperthermia, susceptibility to, 1. Last evaluated: 2024-02-05. Review status: criteria provided, single submitter. Criteria: ACMG Guidelines, 2015. Collection method: clinical testing. Allele origin: germline. Inheritance: Autosomal dominant inheritance. Observed: 1 variant allele, 1 heterozygote.
Comment: This missense variant replaces lysine with asparagine at codon 1843 of the RYR1 protein. Computational prediction tools indicate that this variant would not disrupt protein structure and function. To our knowledge, functional studies have not been reported for this variant. This variant has not been reported in individuals affected with RYR1-related disorders in the literature. This variant has not been identified in the general population by the Genome Aggregation Database (gnomAD). The available evidence is insufficient to determine the role of this variant in disease conclusively. Therefore, this variant is classified as a Variant of Uncertain Significance.

This study involves interpretation of variants in research participants for the purpose of population health screening. Participant phenotype was not available at the time of variant classification. Additional details can be found in publication PMID: 35346344, PMCID: PMC8962531